The following is an entry in ClinVar:

NM_015331.3(NCSTN):c.1654del (p.Gln552fs)

Gene: NCSTN (nicastrin; plus strand). Cytogenetic location: 1q23.2.
Variant type: Deletion.
Coding change: c.1654del on transcript NM_015331.3 (MANE Select); coding-DNA position 1654, one base deleted (C; older notation c.1654delC).
Protein change: p.Gln552fs; shifts the reading frame from glutamine 552.
Molecular consequence: frameshift variant.
Genome position (GRCh38, 1-based): chr1:160,356,614, C deleted. VCF-style (leftmost placement, unchanged base first): chr1-160356613-TC-T. GRCh37 (hg19) VCF-style: chr1-160326403-TC-T.
Other names: c.1594del, p.Gln532fs (NM_001290184.2); c.1240del, p.Gln414fs (NM_001290186.2); c.1654del, p.Gln552fs (NM_001349729.2); short protein forms Q414fs, Q532fs, Q552fs.
Identifiers: ClinVar variation 4292514 (VCV004292514.1).

ClinVar aggregate classification (germline): Likely pathogenic (1 of 4 stars; one submission).

Conditions:
Acne inversa, familial, 1. Identifiers: MedGen C4551962, MONDO:0007728, OMIM 142690.

Submission:

3billion
Classification: Likely pathogenic for Acne inversa, familial, 1. Last evaluated: 2024-11-26. Review status: criteria provided, single submitter. Criteria: ACMG Guidelines, 2015. Collection method: clinical testing. Allele origin: germline. Affected: yes.
Comment: The variant is not observed in the gnomAD v4.1.0 dataset. Predicted Consequence/Location: Frameshift: predicted to result in a loss or disruption of normal protein function through nonsense-mediated decay (NMD) or protein truncation. Multiple pathogenic variants are reported downstream of the variant. Therefore, this variant is classified as Likely pathogenic according to the recommendation of ACMG/AMP guideline.